The following is an entry in ClinVar:

NM_015259.6(ICOSLG):c.524C>T (p.Thr175Met)

Gene: ICOSLG (inducible T cell costimulator ligand; minus strand). Cytogenetic location: 21q22.3.
Variant type: single nucleotide variant.
Coding change: c.524C>T on transcript NM_015259.6 (MANE Select); coding-DNA position 524, C replaced by T.
Protein change: p.Thr175Met; replaces threonine 175 with methionine.
Molecular consequence: missense variant.
Genome position (GRCh38, 1-based): chr21:44,235,445, G>A on the plus strand (C>T on the coding strand, the complement: ICOSLG is on the minus strand). VCF-style: chr21-44235445-G-A. GRCh37 (hg19) VCF-style: chr21-45655328-G-A.
Other names: c.524C>T, p.Thr175Met (NM_001283050.2); c.173C>T, p.Thr58Met (NM_001283051.2); c.269C>T, p.Thr90Met (NM_001283052.2); c.443C>T, p.Thr148Met (NM_001365759.2); short protein forms T148M, T90M, T175M, T58M.
Identifiers: ClinVar variation 1390709 (VCV001390709.6), dbSNP rs776339033, ClinGen allele CA321497213.

ClinVar aggregate classification (germline): Uncertain significance (1 of 4 stars; one submission).

Submission:

Labcorp Genetics (formerly Invitae), Labcorp
Classification: Uncertain significance. Last evaluated: 2021-11-15. Review status: criteria provided, single submitter. Criteria: Invitae Variant Classification Sherloc (09022015). Collection method: clinical testing. Allele origin: germline.
Comment: In summary, the available evidence is currently insufficient to determine the role of this variant in disease. Therefore, it has been classified as a Variant of Uncertain Significance. Algorithms developed to predict the effect of missense changes on protein structure and function are either unavailable or do not agree on the potential impact of this missense change (SIFT: "Deleterious"; PolyPhen-2: "Probably Damaging"; Align-GVGD: "Class C15"). This variant has not been reported in the literature in individuals affected with ICOSLG-related conditions. This variant is present in population databases (rs776339033, gnomAD 0.003%). This sequence change replaces threonine, which is neutral and polar, with methionine, which is neutral and non-polar, at codon 175 of the ICOSLG protein (p.Thr175Met).